The following is an entry in ClinVar:

NM_000204.3(CFI):c.*214A>G

Gene: CFI (complement factor I; minus strand). Cytogenetic location: 4q25.
Variant type: single nucleotide variant.
Coding change: c.*214A>G on transcript NM_000204.3; 214 bases downstream of the stop codon, A replaced by G.
Molecular consequence: intron variant (on NM_001375282.1).
Genome position (GRCh38, 1-based): chr4:109,740,679, T>C on the plus strand (A>G on the coding strand, the complement: CFI is on the minus strand). VCF-style: chr4-109740679-T-C. GRCh37 (hg19) VCF-style: chr4-110661835-T-C.
Other names: c.1513+1812A>G (NM_001375282.1, NM_001375280.1); c.1534+1812A>G (NM_001375281.1, NM_001375279.1); c.1555+1812A>G (NM_001440985.1); c.1558+1812A>G (NM_001440988.1, NM_001375278.1).
Identifiers: ClinVar variation 369434 (VCV000369434.10), dbSNP rs28361433, ClinGen allele CA3041793.
Genomic context (GRCh38, chr4:109,740,679, plus strand): 5'-ATTAGTTGTAACTTCAGTCAATAAATCACTCCCGCATTGAGATAATTTAATAAAATTTTC[T>C]GATAAATAAAACTTGTATGCTTCACCAAAATATTTATTTGAGAATTATACAACAAAATTC-3'

ClinVar aggregate classification (germline): Benign. Review status: criteria provided, multiple submitters, no conflicts (2 of 4 stars). 3 submissions from 3 submitters: Benign (3). Last evaluated 2018-11-10.

Conditions:
Atypical hemolytic-uremic syndrome with I factor anomaly. Also called: HEMOLYTIC UREMIC SYNDROME, ATYPICAL, SUSCEPTIBILITY TO, 3; AHUS, SUSCEPTIBILITY TO, 3. Identifiers: Orphanet 2134, MedGen C2752039, MONDO:0013041, OMIM 612923.

Allele frequency attached by ClinVar (database versions not stated): gnomAD 0.03412 and 0.03193; 1000 Genomes Project 30x 0.03732; ExAC 0.01070; 1000 Genomes Project 0.03275; TOPMed 0.03676; gnomAD exomes 0.00567 and 0.01047.
gnomAD v4.1: 7,513 of 602,858 alleles (1.2%); highest among the groups gnomAD compares: African/African-American, 10%; 333 homozygotes.

Submissions (3):

GeneDx
Classification: Benign. Last evaluated: 2018-11-10. Review status: criteria provided, single submitter. Criteria: GeneDx Variant Classification Process June 2021. Collection method: clinical testing. Allele origin: germline. Affected: yes.

Illumina Laboratory Services, Illumina
Classification: Benign for Atypical hemolytic-uremic syndrome with I factor anomaly. Last evaluated: 2018-01-13. Review status: criteria provided, single submitter. Criteria: ICSL Variant Classification Criteria 13 December 2019. Collection method: clinical testing. Allele origin: germline.
Comment: This variant was observed in the ICSL laboratory as part of a predisposition screen in an ostensibly healthy population. It had not been previously curated by ICSL or reported in the Human Gene Mutation Database (HGMD: prior to June 1st, 2018), and was therefore a candidate for classification through an automated scoring system. Utilizing variant allele frequency, disease prevalence and penetrance estimates, and inheritance mode, an automated score was calculated to assess if this variant is too frequent to cause the disease. Based on the score and internal cut-off values, a variant classified as benign is not then subjected to further curation. The score for this variant resulted in a classification of benign for this disease.

Breakthrough Genomics
Classification: Benign. Review status: criteria provided, single submitter. Criteria: ACMG Guidelines, 2015. Collection method: not provided. Allele origin: germline. Inheritance: Autosomal recessive inheritance. Affected: yes.